The following is an entry in ClinVar:

NM_138694.4(PKHD1):c.7533A>G (p.Ser2511=)

Gene: PKHD1 (PKHD1 ciliary IPT domain containing fibrocystin/polyductin; minus strand). Cytogenetic location: 6p12.2.
Variant type: single nucleotide variant.
Coding change: c.7533A>G on transcript NM_138694.4 (MANE Select); coding-DNA position 7533, A replaced by G.
Protein change: p.Ser2511=; no amino-acid change (serine 2511 retained).
Molecular consequence: synonymous variant.
Genome position (GRCh38, 1-based): chr6:51,868,063, T>C on the plus strand (A>G on the coding strand, the complement: PKHD1 is on the minus strand). VCF-style: chr6-51868063-T-C. GRCh37 (hg19) VCF-style: chr6-51732861-T-C.
Other names: c.7533A>G, p.Ser2511= (NM_170724.3).
Identifiers: ClinVar variation 290898 (VCV000290898.51), dbSNP rs200679577, ClinGen allele CA3851902.
Genomic context (GRCh38, chr6:51,868,063, plus strand): 5'-CAGAGACCCATCCAAGTCTTCCAAAATTGCTGCATGAGGAAATGGAAATGCCACTAAGTT[T>C]GAAGAGTTTGTAAACTTCAACTGGCTGGTCTTCACAGTAAATCCACCTATAAATTGGAAA-3'
Protein context (NP_619639.3, residues 2501-2521): KTSQLKFTNS[Ser2511=]NLVAFPFPHA

ClinVar aggregate classification (germline): Conflicting classifications of pathogenicity. Review status: criteria provided, conflicting classifications (1 of 4 stars). 8 submissions from 8 submitters: Uncertain significance (2); Likely benign (4). 2 of the submissions do not count toward it. Last evaluated 2026-01-26.

Conditions:
PKHD1-related disorder. Also called: PKHD1-related condition.
Polycystic kidney disease 4 (PKD4). Also called: POLYCYSTIC KIDNEY DISEASE 4 WITH OR WITHOUT POLYCYSTIC LIVER DISEASE; PKD3; Autosomal Recessive Polycystic Kidney Disease – PKHD1; POLYCYSTIC KIDNEY AND HEPATIC DISEASE 1; POLYCYSTIC KIDNEY DISEASE, INFANTILE, TYPE I. Identifiers: MedGen C4540575, MONDO:0033004, OMIM 263200.
Autosomal recessive polycystic kidney disease (ARPKD). Also called: AR polycystic kidney disease. Identifiers: Orphanet 731, Orphanet 8378, MedGen C0085548, MeSH D017044, MONDO:0009889.

Allele frequency attached by ClinVar (database versions not stated): gnomAD exomes 0.00013 and 0.00028; 1000 Genomes Project 30x 0.00016; gnomAD 0.00016 and 0.00017; 1000 Genomes Project 0.00020; ESP Exome Variant Server 0.00023; ExAC 0.00024; TOPMed 0.00024.
gnomAD v4.1: 217 of 1,612,046 alleles (0.013%); highest among the groups gnomAD compares: Admixed American, 0.052%; no homozygotes.

Submissions (8):

Labcorp Genetics (formerly Invitae), Labcorp
Classification: Likely benign for Autosomal recessive polycystic kidney disease. Last evaluated: 2026-01-26. Review status: criteria provided, single submitter. Criteria: Invitae Variant Classification Sherloc (09022015). Collection method: clinical testing. Allele origin: germline.

Blueprint Genetics
Classification: Likely benign. Last evaluated: 2024-09-25. Review status: criteria provided, single submitter. Criteria: ACMG Guidelines, 2015. Collection method: clinical testing. Allele origin: germline.

Department of Pathology and Laboratory Medicine, Sinai Health System
Classification: Likely benign for Polycystic kidney disease 4. Last evaluated: 2024-07-25. Review status: criteria provided, single submitter. Criteria: ACMG Guidelines, 2015. Collection method: clinical testing. Allele origin: germline.

CeGaT Center for Human Genetics Tuebingen
Classification: Likely benign. Last evaluated: 2022-08-01. Review status: criteria provided, single submitter. Criteria: CeGaT Center For Human Genetics Tuebingen Variant Classification Criteria Version 2. Collection method: clinical testing. Allele origin: germline. Affected: yes. Observed: 1 variant allele.
Comment: PKHD1: BP4, BP7

Eurofins Ntd Llc (ga)
Classification: Uncertain significance. Last evaluated: 2018-06-07. Review status: criteria provided, single submitter. Criteria: EGL ClinVar v180209 classification definitions. Collection method: clinical testing. Allele origin: germline. Observed: 4 variant alleles, 4 heterozygotes.

Illumina Laboratory Services, Illumina
Classification: Uncertain significance for Polycystic kidney disease 4. Last evaluated: 2018-01-12. Review status: criteria provided, single submitter. Criteria: ICSL Variant Classification Criteria 13 December 2019. Collection method: clinical testing. Allele origin: germline.

PreventionGenetics, part of Exact Sciences
Classification: Likely benign for PKHD1-related condition. Last evaluated: 2019-11-15. Review status: no assertion criteria provided. Collection method: clinical testing. Allele origin: germline. Not counted in ClinVar's aggregate classification.
Comment: This variant is classified as likely benign based on ACMG/AMP sequence variant interpretation guidelines (Richards et al. 2015 PMID: 25741868, with internal and published modifications).

Natera, Inc.
Classification: Uncertain significance for Autosomal recessive polycystic kidney disease. Last evaluated: 2018-05-15. Review status: no assertion criteria provided. Collection method: clinical testing. Allele origin: germline. Not counted in ClinVar's aggregate classification.